The following is an entry in ClinVar:

ClinVar aggregate classification (germline): Uncertain significance. Review status: criteria provided, multiple submitters, no conflicts (2 of 4 stars). 2 submissions from 2 submitters: Uncertain significance (2). Last evaluated 2023-08-10.

Conditions:
Psoriasis 2. Identifiers: MedGen C1864497, MONDO:0011269, OMIM 602723.
Pityriasis rubra pilaris (PRP). Also called: Pityriasis rubra pilaris--familial type. Identifiers: Orphanet 2897, MedGen C0032027, MONDO:0100017, OMIM 173200, MONDO:0008251.

Submissions (2):

Labcorp Genetics (formerly Invitae), Labcorp
Classification: Uncertain significance for Pityriasis rubra pilaris; Psoriasis 2. Last evaluated: 2023-08-10. Review status: criteria provided, single submitter. Criteria: Invitae Variant Classification Sherloc (09022015). Collection method: clinical testing. Allele origin: germline.
Comment: Variants that disrupt the consensus splice site are a relatively common cause of aberrant splicing (PMID: 17576681, 9536098). Algorithms developed to predict the effect of sequence changes on RNA splicing suggest that this variant is not likely to affect RNA splicing. In summary, the available evidence is currently insufficient to determine the role of this variant in disease. Therefore, it has been classified as a Variant of Uncertain Significance. This sequence change falls in intron 18 of the CARD14 gene. It does not directly change the encoded amino acid sequence of the CARD14 protein. It affects a nucleotide within the consensus splice site. This variant is not present in population databases (gnomAD no frequency). This variant has not been reported in the literature in individuals affected with CARD14-related conditions. ClinVar contains an entry for this variant (Variation ID: 1693713).

Mayo Clinic Laboratories, Mayo Clinic
Classification: Uncertain significance. Last evaluated: 2021-09-01. Review status: criteria provided, single submitter. Criteria: ACMG Guidelines, 2015. Collection method: clinical testing. Allele origin: germline.

Literature cited by the submitters: PubMed 17576681 (cited by Labcorp Genetics (formerly Invitae), Labcorp); PubMed 9536098 (cited by Labcorp Genetics (formerly Invitae), Labcorp).

NM_001366385.1(CARD14):c.2570-3T>C

Genes: SGSH (N-sulfoglucosamine sulfohydrolase; minus strand), CARD14 (caspase recruitment domain family member 14; plus strand), LOC126862662 (MED14-independent group 3 enhancer GRCh37_chr17:78178385-78179584; plus strand). Cytogenetic location: 17q25.3.
Variant type: single nucleotide variant.
Coding change: c.2570-3T>C on transcript NM_001366385.1 (MANE Select); 3 bases into the intron before coding-DNA position 2570, T replaced by C.
Molecular consequence: intron variant.
Genome position (GRCh38, 1-based): chr17:80,205,528, T>C. VCF-style: chr17-80205528-T-C. GRCh37 (hg19) VCF-style: chr17-78179327-T-C.
Other names: c.2570-3T>C (NM_024110.4).
Identifiers: ClinVar variation 1693713 (VCV001693713.9), dbSNP rs2144571219, ClinGen allele CA2580095291.
Genomic context (GRCh38, chr17:80,205,528, plus strand): 5'-ATGGGACTCCCCCAGACCCCCACACAGCTGGTCTATGATGGCCCCGTCCAATGTCACCTG[T>C]AGAGTACTTGAGCCAGGAGGAGTATGAGGCCTGGAGCCAGAGAGGGGACATCATCCAGGA-3'